The following is an entry in ClinVar:

ClinVar aggregate classification (germline): Uncertain significance (1 of 4 stars; one submission).

gnomAD v4.1: 5 of 1,613,904 alleles (0.00031%); highest among the groups gnomAD compares: Non-Finnish European, 0.00042%; no homozygotes.

Submission:

GeneDx
Classification: Uncertain significance. Last evaluated: 2024-05-14. Review status: criteria provided, single submitter. Criteria: GeneDx Variant Classification Process June 2021. Collection method: clinical testing. Allele origin: germline. Affected: yes.
Comment: Not observed at significant frequency in large population cohorts (gnomAD); In silico analysis indicates that this missense variant does not alter protein structure/function; Has not been previously published as pathogenic or benign to our knowledge

NM_001318852.2(MAPK8IP3):c.1066C>T (p.Pro356Ser)

Gene: MAPK8IP3 (mitogen-activated protein kinase 8 interacting protein 3; plus strand). Cytogenetic location: 16p13.3.
Variant type: single nucleotide variant.
Coding change: c.1066C>T on transcript NM_001318852.2 (MANE Select); coding-DNA position 1066, C replaced by T.
Protein change: p.Pro356Ser; replaces proline 356 with serine.
Molecular consequence: missense variant.
Genome position (GRCh38, 1-based): chr16:1,748,315, C>T. VCF-style: chr16-1748315-C-T. GRCh37 (hg19) VCF-style: chr16-1798316-C-T.
Other names: c.1063C>T, p.Pro355Ser (NM_001040439.2, NM_015133.5); short protein forms P355S, P356S.
Identifiers: ClinVar variation 3378328 (VCV003378328.1).
Genomic context (GRCh38, chr16:1,748,315, plus strand): 5'-AGTGACGAGTGGTCTGATGTTCAAGACATTATTGACTCCACGCCAGAGCTGGACATGTGT[C>T]CAGAGACCCGCCTGGACCGCACAGGAAGCAGGTACTGGCTCAGCCCAGGCCCTGGGGTCC-3'
Protein context (NP_001305781.1, residues 346-366): IDSTPELDMC[Pro356Ser]ETRLDRTGSS